The following is an entry in ClinVar:

ClinVar aggregate classification (germline): Benign/Likely benign. Review status: criteria provided, multiple submitters, no conflicts (2 of 4 stars). 5 submissions from 5 submitters: Benign (2); Likely benign (3). Last evaluated 2026-02-01.

Conditions:
Progressive myoclonic epilepsy. Also called: Familial progressive myoclonic epilepsy; Myoclonic Epilepsies, Progressive; Progressive myoclonus epilepsy; Myoclonus epilepsy. Identifiers: Orphanet 308, Orphanet 98261, MedGen C0751778, MONDO:0020074.
Inborn genetic diseases. Identifiers: MedGen C0950123, MeSH D030342.

Allele frequency attached by ClinVar (database versions not stated): 1000 Genomes Project 30x 0.00016; 1000 Genomes Project 0.00020; gnomAD 0.00052 and 0.00057; gnomAD exomes 0.00060 and 0.00123; TOPMed 0.00074; ExAC 0.00092; ESP Exome Variant Server 0.00092.
gnomAD v4.1: 1,042 of 1,611,544 alleles (0.065%); highest among the groups gnomAD compares: Middle Eastern, 0.033%; 12 homozygotes.

Submissions (5):

Labcorp Genetics (formerly Invitae), Labcorp
Classification: Benign for Progressive myoclonic epilepsy. Last evaluated: 2026-02-01. Review status: criteria provided, single submitter. Criteria: Invitae Variant Classification Sherloc (09022015). Collection method: clinical testing. Allele origin: germline.

ARUP Laboratories, Molecular Genetics and Genomics, ARUP Laboratories
Classification: Likely benign. Last evaluated: 2025-04-08. Review status: criteria provided, single submitter. Criteria: ARUP Molecular Germline Variant Investigation Process 2024. Collection method: clinical testing. Allele origin: germline.

Mayo Clinic Laboratories, Mayo Clinic
Classification: Benign. Last evaluated: 2025-02-04. Review status: criteria provided, single submitter. Criteria: ACMG Guidelines, 2015. Collection method: clinical testing. Allele origin: germline. Observed: 4 variant alleles.
Comment: BS1, BS2

GeneDx
Classification: Likely benign. Last evaluated: 2021-02-24. Review status: criteria provided, single submitter. Criteria: GeneDx Variant Classification Process June 2021. Collection method: clinical testing. Allele origin: germline. Affected: yes.

Ambry Genetics
Classification: Likely benign for Inborn genetic diseases. Last evaluated: 2019-09-25. Review status: criteria provided, single submitter. Criteria: Ambry Variant Classification Scheme 2023. Collection method: clinical testing. Allele origin: germline.

NM_004287.5(GOSR2):c.148C>T (p.Arg50Cys)

Genes: GOSR2 (golgi SNAP receptor complex member 2; plus strand), LRRC37A2 (leucine rich repeat containing 37 member A2), LOC126862578 (BRD4-independent group 4 enhancer GRCh37_chr17:45008344-45009543; plus strand). Cytogenetic location: 17q21.32.
Variant type: single nucleotide variant.
Coding change: c.148C>T on transcript NM_004287.5 (MANE Select); coding-DNA position 148, C replaced by T.
Protein change: p.Arg50Cys; replaces arginine 50 with cysteine.
Molecular consequence: missense variant. On other transcripts: non-coding transcript variant (3).
Genome position (GRCh38, 1-based): chr17:46,931,152, C>T. VCF-style: chr17-46931152-C-T. GRCh37 (hg19) VCF-style: chr17-45008518-C-T.
Other names: p.R50C:CGT>TGT; p.Arg50Cys; c.148C>T, p.Arg50Cys (NM_001012511.3, NM_001321133.2, NM_001330252.2 and 1 more transcripts); c.94C>T, p.Arg32Cys (NM_001321134.2, NM_001363851.2); c.145C>T, p.Arg49Cys (NM_001353114.2, NM_001353115.2, NM_001353116.2); c.148C>T (NM_004287.4); short protein forms R50C, R32C, R49C.
Identifiers: ClinVar variation 205629 (VCV000205629.19), dbSNP rs143754727, ClinGen allele CA314898.